The following is an entry in ClinVar:

ClinVar aggregate classification (germline): Pathogenic (1 of 4 stars; one submission).

Conditions:
Ehlers-Danlos syndrome, classic type, 1 (EDSCL1). Also called: EHLERS-DANLOS SYNDROME, GRAVIS TYPE; EHLERS-DANLOS SYNDROME, SEVERE CLASSIC TYPE; Ehlers-Danlos syndrome, type 1; Ehlers-Danlos Syndrome, Classic Type, COL5A1-Related; EDS I. Identifiers: MedGen C0268335, MONDO:0019567, OMIM 130000.
Osteogenesis imperfecta type I (OI1). Also called: OI, TYPE I; OSTEOGENESIS IMPERFECTA TARDA; OSTEOGENESIS IMPERFECTA WITH BLUE SCLERAE; Osteogenesis imperfecta type 1; Lobstein's Disease; Lobstein disease. Identifiers: Orphanet 216796, Orphanet 666, MedGen C0023931, MONDO:0008146, OMIM 166200. Disease mechanism: loss of function.

Submission:

Labcorp Genetics (formerly Invitae), Labcorp
Classification: Pathogenic for Osteogenesis imperfecta type I; Ehlers-Danlos syndrome, classic type, 1. Last evaluated: 2020-10-25. Review status: criteria provided, single submitter. Criteria: Invitae Variant Classification Sherloc (09022015). Collection method: clinical testing. Allele origin: germline.
Comment: For these reasons, this variant has been classified as Pathogenic. This variant disrupts the triple helix domain of COL1A2. Glycine residues within the Gly-Xaa-Yaa repeats of the triple helix domain are required for the structure and stability of fibrillar collagens (PMID: 7695699, 8218237, 19344236). In COL1A2, variants affecting these glycine residues are significantly enriched in individuals with disease (PMID: 9016532, 17078022) compared to the general population (ExAC). Advanced modeling of protein sequence and biophysical properties (such as structural, functional, and spatial information, amino acid conservation, physicochemical variation, residue mobility, and thermodynamic stability) performed at Invitae indicates that this missense variant is expected to disrupt COL1A2 protein function. This variant has been observed in individual(s) with autosomal dominant osteogenosis imperfecta (PMID: 9923651). This variant is also known as Gly421Asp. In at least one individual the variant was observed to be de novo. This variant is not present in population databases (ExAC no frequency). This sequence change replaces glycine with aspartic acid at codon 511 of the COL1A2 protein (p.Gly511Asp). The glycine residue is highly conserved and there is a moderate physicochemical difference between glycine and aspartic acid.

Literature cited by the submitters: PubMed 7695699; PubMed 8218237; PubMed 19344236; PubMed 9016532; PubMed 17078022; PubMed 9923651.

NM_000089.4(COL1A2):c.1532G>A (p.Gly511Asp)

Gene: COL1A2 (collagen type I alpha 2 chain; plus strand). Cytogenetic location: 7q21.3.
Variant type: single nucleotide variant.
Coding change: c.1532G>A on transcript NM_000089.4 (MANE Select); coding-DNA position 1532, G replaced by A.
Protein change: p.Gly511Asp; replaces glycine 511 with aspartic acid.
Molecular consequence: missense variant.
Genome position (GRCh38, 1-based): chr7:94,413,111, G>A. VCF-style: chr7-94413111-G-A. GRCh37 (hg19) VCF-style: chr7-94042423-G-A.
Other names: short protein forms G511D.
Identifiers: ClinVar variation 1459494 (VCV001459494.8), dbSNP rs66999265, ClinGen allele CA162925848.
Genomic context (GRCh38, chr7:94,413,111, plus strand): 5'-GTTCTTTGTTTTGTTTTTCATTTTTACTCTAGGGTGATCCTGGCAAAAACGGTGATAAAG[G>A]TCATGCTGGTCTTGCTGGTGCTCGGGTAGGTGCTAACTTGTGTACAGATCTATTCACATA-3'
Protein context (NP_000080.2, residues 501-521): TGDPGKNGDK[Gly511Asp]HAGLAGARGA